The following is an entry in ClinVar:

ClinVar aggregate classification (germline): Uncertain significance (1 of 4 stars; one submission).

Submission:

GeneDx
Classification: Uncertain significance. Last evaluated: 2023-04-20. Review status: criteria provided, single submitter. Criteria: GeneDx Variant Classification Process June 2021. Collection method: clinical testing. Allele origin: germline. Affected: yes.
Comment: Not observed at significant frequency in large population cohorts (gnomAD); In silico analysis supports that this missense variant does not alter protein structure/function; Has not been previously published as pathogenic or benign to our knowledge

NM_198578.4(LRRK2):c.7348A>G (p.Asn2450Asp)

Gene: LRRK2 (leucine rich repeat kinase 2; plus strand). Cytogenetic location: 12q12.
Variant type: single nucleotide variant.
Coding change: c.7348A>G on transcript NM_198578.4 (MANE Select); coding-DNA position 7348, A replaced by G.
Protein change: p.Asn2450Asp; replaces asparagine 2450 with aspartic acid.
Molecular consequence: missense variant.
Genome position (GRCh38, 1-based): chr12:40,365,008, A>G. VCF-style: chr12-40365008-A-G. GRCh37 (hg19) VCF-style: chr12-40758810-A-G.
Other names: short protein forms N2450D.
Identifiers: ClinVar variation 2663360 (VCV002663360.1), dbSNP rs2500038645, ClinGen allele CA384415267.